The following is an entry in ClinVar:

ClinVar aggregate classification (germline): Uncertain significance (1 of 4 stars; one submission).

Allele frequency attached by ClinVar (database versions not stated): ExAC 0.00001.
gnomAD v4.1: 5 of 1,614,156 alleles (0.00031%); highest among the groups gnomAD compares: Admixed American, 0.0033%; no homozygotes.

Submission:

Labcorp Genetics (formerly Invitae), Labcorp
Classification: Uncertain significance. Last evaluated: 2025-11-25. Review status: criteria provided, single submitter. Criteria: Invitae Variant Classification Sherloc (09022015). Collection method: clinical testing. Allele origin: germline.
Comment: This sequence change replaces glutamic acid, which is acidic and polar, with aspartic acid, which is acidic and polar, at codon 67 of the MCM5 protein (p.Glu67Asp). This variant is present in population databases (rs759149447, gnomAD 0.0009%). This variant has not been reported in the literature in individuals affected with MCM5-related conditions. ClinVar contains an entry for this variant (Variation ID: 2183110). Invitae Evidence Modeling of protein sequence and biophysical properties (such as structural, functional, and spatial information, amino acid conservation, physicochemical variation, residue mobility, and thermodynamic stability) indicates that this missense variant is not expected to disrupt MCM5 protein function with a negative predictive value of 80%. In summary, the available evidence is currently insufficient to determine the role of this variant in disease. Therefore, it has been classified as a Variant of Uncertain Significance.

NM_006739.4(MCM5):c.201G>T (p.Glu67Asp)

Gene: MCM5 (minichromosome maintenance complex component 5; plus strand). Cytogenetic location: 22q12.3.
Variant type: single nucleotide variant.
Coding change: c.201G>T on transcript NM_006739.4 (MANE Select); coding-DNA position 201, G replaced by T.
Protein change: p.Glu67Asp; replaces glutamic acid 67 with aspartic acid.
Molecular consequence: missense variant.
Genome position (GRCh38, 1-based): chr22:35,403,240, G>T. VCF-style: chr22-35403240-G-T. GRCh37 (hg19) VCF-style: chr22-35799233-G-T.
Other names: short protein forms E67D.
Identifiers: ClinVar variation 2183110 (VCV002183110.4), dbSNP rs759149447, ClinGen allele CA10204952.
Genomic context (GRCh38, chr22:35,403,240, plus strand): 5'-CCCCACCCTGCTATGTGCCCACTCCAGGGATGAACTCAAGCGGCATTACAACCTGGGGGA[G>T]TACTGGATTGAGGTGGAGATGGAGGATCTGGCCAGCTTTGATGAGGACCTGGCCGACTAC-3'
Protein context (NP_006730.2, residues 57-77): DELKRHYNLG[Glu67Asp]YWIEVEMEDL